The following is an entry in ClinVar:

NM_001330078.2(NRXN1):c.4341_4350del (p.Ile1447fs)

Gene: NRXN1 (neurexin 1; minus strand). Cytogenetic location: 2p16.3.
Variant type: Deletion.
Coding change: c.4341_4350del on transcript NM_001330078.2 (MANE Select); coding-DNA positions 4341 to 4350, 10 bases deleted (CCTCCTCTAT; older notation c.4341_4350delCCTCCTCTAT).
Protein change: p.Ile1447fs; shifts the reading frame from isoleucine 1447.
Molecular consequence: frameshift variant.
Genome position (GRCh38, 1-based): chr2:49,922,118-49,922,127, ATAGAGGAGG deleted on the plus strand (CCTCCTCTAT on the coding strand, the reverse complement: NRXN1 is on the minus strand); deleting any 10 consecutive bases within chr2:49,922,118-49,922,130 gives the same sequence; the c. name uses the placement nearest the transcript's 3' end. VCF-style (leftmost placement, unchanged base first): chr2-49922117-CATAGAGGAGG-C. GRCh37 (hg19) VCF-style: chr2-50149255-CATAGAGGAGG-C.
Other names: c.4461_4470del, p.Ile1487fs (NM_001135659.3); c.246_255del, p.Ile82fs (NM_001320156.4); c.237_246del, p.Ile79fs (NM_001320157.4); c.4317_4326del, p.Ile1439fs (NM_001330077.2); c.4308_4317del, p.Ile1436fs (NM_001330082.2); c.4176_4185del, p.Ile1392fs (NM_001330083.2); c.4275_4284del, p.Ile1425fs (NM_001330084.2); c.4314_4323del, p.Ile1438fs (NM_001330085.2); and 12 more; short protein forms I1377fs, I1380fs, I1387fs, I1392fs, I1400fs, I1417fs, I1425fs, I1436fs.
Identifiers: ClinVar variation 2663255 (VCV002663255.1), dbSNP rs2465623272, ClinGen allele CA2695200732.

ClinVar aggregate classification (germline): Uncertain significance (1 of 4 stars; one submission).

Submission:

GeneDx
Classification: Uncertain significance. Last evaluated: 2023-05-11. Review status: criteria provided, single submitter. Criteria: GeneDx Variant Classification Process June 2021. Collection method: clinical testing. Allele origin: germline. Affected: yes.
Comment: Not observed at significant frequency in large population cohorts (gnomAD); Frameshift variant predicted to result in protein truncation as the last 61 amino acids are replaced with 33 different amino acids, although loss-of-function variants have not been reported downstream of this position in the protein; Has not been previously published as pathogenic or benign to our knowledge